The following is an entry in ClinVar:

ClinVar aggregate classification (germline): Uncertain significance (1 of 4 stars; one submission).

Conditions:
Early-infantile DEE. Also called: Early infantile epileptic encephalopathy; Ohtahara syndrome; Early infantile epileptic encephalopathy with suppression bursts. Identifiers: Orphanet 1934, MedGen C0393706, MONDO:0800491.

gnomAD v4.1: 1 of 1,613,208 alleles (0.000062%); highest among the groups gnomAD compares: Non-Finnish European, 0.000085%; no homozygotes.

Submission:

Labcorp Genetics (formerly Invitae), Labcorp
Classification: Uncertain significance for Early-infantile DEE. Last evaluated: 2023-08-04. Review status: criteria provided, single submitter. Criteria: Invitae Variant Classification Sherloc (09022015). Collection method: clinical testing. Allele origin: germline.
Comment: Advanced modeling of protein sequence and biophysical properties (such as structural, functional, and spatial information, amino acid conservation, physicochemical variation, residue mobility, and thermodynamic stability) performed at Invitae indicates that this missense variant is not expected to disrupt GNAO1 protein function. In summary, the available evidence is currently insufficient to determine the role of this variant in disease. Therefore, it has been classified as a Variant of Uncertain Significance. This sequence change replaces proline, which is neutral and non-polar, with leucine, which is neutral and non-polar, at codon 315 of the GNAO1 protein (p.Pro315Leu). This variant is not present in population databases (gnomAD no frequency). This variant has not been reported in the literature in individuals affected with GNAO1-related conditions. ClinVar contains an entry for this variant (Variation ID: 2009262).

NM_020988.3(GNAO1):c.944C>T (p.Pro315Leu)

Gene: GNAO1 (G protein subunit alpha o1; plus strand). Cytogenetic location: 16q13.
Variant type: single nucleotide variant.
Coding change: c.944C>T on transcript NM_020988.3 (MANE Select); coding-DNA position 944, C replaced by T.
Protein change: p.Pro315Leu; replaces proline 315 with leucine.
Molecular consequence: missense variant.
Genome position (GRCh38, 1-based): chr16:56,354,932, C>T. VCF-style: chr16-56354932-C-T. GRCh37 (hg19) VCF-style: chr16-56388844-C-T.
Other names: short protein forms P315L.
Identifiers: ClinVar variation 2009262 (VCV002009262.4), dbSNP rs2543432016, ClinGen allele CA395955105.